The following is an entry in ClinVar:

ClinVar aggregate classification (germline): Uncertain significance. Review status: criteria provided, multiple submitters, no conflicts (2 of 4 stars). 3 submissions from 3 submitters: Uncertain significance (3). Last evaluated 2025-10-27.

Allele frequency attached by ClinVar (database versions not stated): ExAC 0.00001; gnomAD exomes 0.00001; gnomAD 0.00002; TOPMed 0.00002; ESP Exome Variant Server 0.00008.
gnomAD v4.1: 16 of 1,613,776 alleles (0.00099%); highest among the groups gnomAD compares: South Asian, 0.0022%; no homozygotes.

Submissions (3):

Labcorp Genetics (formerly Invitae), Labcorp
Classification: Uncertain significance. Last evaluated: 2025-10-27. Review status: criteria provided, single submitter. Criteria: Invitae Variant Classification Sherloc (09022015). Collection method: clinical testing. Allele origin: germline.
Comment: This sequence change replaces glutamic acid, which is acidic and polar, with lysine, which is basic and polar, at codon 1430 of the CDH23 protein (p.Glu1430Lys). This variant is present in population databases (rs373020999, gnomAD 0.002%). This missense change has been observed in individual(s) with clinical features of Usher syndrome (internal data). ClinVar contains an entry for this variant (Variation ID: 2157655). Invitae Evidence Modeling of protein sequence and biophysical properties (such as structural, functional, and spatial information, amino acid conservation, physicochemical variation, residue mobility, and thermodynamic stability) has been performed for this missense variant. However, the output from this modeling did not meet the statistical confidence thresholds required to predict the impact of this variant on CDH23 protein function. In summary, the available evidence is currently insufficient to determine the role of this variant in disease. Therefore, it has been classified as a Variant of Uncertain Significance.

GeneDx
Classification: Uncertain significance. Last evaluated: 2024-12-12. Review status: criteria provided, single submitter. Criteria: GeneDx Variant Classification Process June 2021. Collection method: clinical testing. Allele origin: germline. Affected: yes.
Comment: Not observed at significant frequency in large population cohorts (gnomAD); In silico analysis supports that this missense variant has a deleterious effect on protein structure/function; Has not been previously published as pathogenic or benign to our knowledge

Blueprint Genetics
Classification: Uncertain significance. Last evaluated: 2021-09-08. Review status: criteria provided, single submitter. Criteria: ACMG Guidelines, 2015. Collection method: clinical testing. Allele origin: germline.

NM_022124.6(CDH23):c.4288G>A (p.Glu1430Lys)

Gene: CDH23 (cadherin related 23; plus strand). Cytogenetic location: 10q22.1.
Variant type: single nucleotide variant.
Coding change: c.4288G>A on transcript NM_022124.6 (MANE Select); coding-DNA position 4288, G replaced by A.
Protein change: p.Glu1430Lys; replaces glutamic acid 1430 with lysine.
Molecular consequence: missense variant.
Genome position (GRCh38, 1-based): chr10:71,738,576, G>A. VCF-style: chr10-71738576-G-A. GRCh37 (hg19) VCF-style: chr10-73498333-G-A.
Other names: c.4288G>A (NM_022124.5); short protein forms E1430K.
Identifiers: ClinVar variation 2157655 (VCV002157655.4), dbSNP rs373020999, ClinGen allele CA5545006.